The following is an entry in ClinVar:

ClinVar aggregate classification (germline): Uncertain significance. Review status: criteria provided, multiple submitters, no conflicts (2 of 4 stars). 2 submissions from 2 submitters: Uncertain significance (2). Last evaluated 2025-11-07.

Conditions:
Inborn genetic diseases. Identifiers: MedGen C0950123, MeSH D030342.

Allele frequency attached by ClinVar (database versions not stated): TOPMed below 0.00001; ExAC 0.00001; gnomAD exomes 0.00001.
gnomAD v4.1: 6 of 1,614,254 alleles (0.00037%); highest among the groups gnomAD compares: Admixed American, 0.01%; no homozygotes.

Submissions (2):

Labcorp Genetics (formerly Invitae), Labcorp
Classification: Uncertain significance. Last evaluated: 2025-11-07. Review status: criteria provided, single submitter. Criteria: Invitae Variant Classification Sherloc (09022015). Collection method: clinical testing. Allele origin: germline.
Comment: This sequence change replaces glutamine, which is neutral and polar, with leucine, which is neutral and non-polar, at codon 342 of the TNFRSF11A protein (p.Gln342Leu). This variant is present in population databases (rs752044497, gnomAD 0.009%). This variant has not been reported in the literature in individuals affected with TNFRSF11A-related conditions. ClinVar contains an entry for this variant (Variation ID: 1450114). An algorithm developed to predict the effect of missense changes on protein structure and function (PolyPhen-2) suggests that this variant is likely to be disruptive. In summary, the available evidence is currently insufficient to determine the role of this variant in disease. Therefore, it has been classified as a Variant of Uncertain Significance.

Ambry Genetics
Classification: Uncertain significance for Inborn genetic diseases. Last evaluated: 2022-12-15. Review status: criteria provided, single submitter. Criteria: Ambry Variant Classification Scheme 2023. Collection method: clinical testing. Allele origin: germline.

NM_003839.4(TNFRSF11A):c.1025A>T (p.Gln342Leu)

Gene: TNFRSF11A (TNF receptor superfamily member 11a; plus strand). Cytogenetic location: 18q21.33.
Variant type: single nucleotide variant.
Coding change: c.1025A>T on transcript NM_003839.4 (MANE Select); coding-DNA position 1025, A replaced by T.
Protein change: p.Gln342Leu; replaces glutamine 342 with leucine.
Molecular consequence: missense variant. On other transcripts: intron variant (3).
Genome position (GRCh38, 1-based): chr18:62,368,942, A>T. VCF-style: chr18-62368942-A-T. GRCh37 (hg19) VCF-style: chr18-60036175-A-T.
Other names: c.983A>T, p.Gln328Leu (NM_001278268.2); c.783+2182A>T (NM_001270949.2); c.730+7149A>T (NM_001270950.2); c.616+8893A>T (NM_001270951.2); c.1025A>T (NM_003839.2); short protein forms Q342L, Q328L.
Identifiers: ClinVar variation 1450114 (VCV001450114.9), dbSNP rs752044497, ClinGen allele CA8983908.
Genomic context (GRCh38, chr18:62,368,942, plus strand): 5'-AAGATGCCAGGATGCTCTCATTGGTCAGCAAGACCGAGATAGAGGAAGACAGCTTCAGAC[A>T]GATGCCCACAGAAGATGAATACATGGACAGGCCCTCCCAGCCCACAGACCAGTTACTGTT-3'
Protein context (NP_003830.1, residues 332-352): KTEIEEDSFR[Gln342Leu]MPTEDEYMDR